The following is an entry in ClinVar:

ClinVar aggregate classification (germline): Conflicting classifications of pathogenicity. Review status: criteria provided, conflicting classifications (1 of 4 stars). 3 submissions from 3 submitters: Pathogenic (1); Likely pathogenic (1); Uncertain significance (1). Last evaluated 2024-10-08.

Conditions:
Familial thoracic aortic aneurysm and aortic dissection (TAAD). Also called: Thoracic aortic aneurysms and dissections. Identifiers: Orphanet 91387, MedGen C4707243, MONDO:0019625.
Marfan syndrome (MFS). Also called: Marfan syndrome, classic; Marfan syndrome type 1; Marfan's syndrome; MARFAN SYNDROME, TYPE I; FBN1-Related Marfan Syndrome. Identifiers: Orphanet 284963, Orphanet 558, MedGen C0024796, MONDO:0007947, OMIM 154700.
FBN1-related disorder. Also called: FBN1-related disorders.

Submissions (3):

Blueprint Genetics
Classification: Likely pathogenic for FBN1-related disorders. Last evaluated: 2024-10-08. Review status: criteria provided, single submitter. Criteria: ACMG Guidelines, 2015. Collection method: clinical testing. Allele origin: germline. Affected: yes. Observed: 4 variant alleles.

Labcorp Genetics (formerly Invitae), Labcorp
Classification: Pathogenic for Marfan syndrome; Familial thoracic aortic aneurysm and aortic dissection. Last evaluated: 2023-10-28. Review status: criteria provided, single submitter. Criteria: Invitae Variant Classification Sherloc (09022015). Collection method: clinical testing. Allele origin: germline.
Comment: This sequence change replaces methionine, which is neutral and non-polar, with lysine, which is basic and polar, at codon 2864 of the FBN1 protein (p.Met2864Lys). This variant is not present in population databases (gnomAD no frequency). This missense change has been observed in individuals with clinical features of Marfan syndrome (Invitae). ClinVar contains an entry for this variant (Variation ID: 406279). Advanced modeling of protein sequence and biophysical properties (such as structural, functional, and spatial information, amino acid conservation, physicochemical variation, residue mobility, and thermodynamic stability) performed at Invitae indicates that this missense variant is expected to disrupt FBN1 protein function with a positive predictive value of 95%. This variant disrupts the p.Met2864 amino acid residue in FBN1. Other variant(s) that disrupt this residue have been determined to be pathogenic (Invitae). This suggests that this residue is clinically significant, and that variants that disrupt this residue are likely to be disease-causing. For these reasons, this variant has been classified as Pathogenic.

CHEO Genetics Diagnostic Laboratory, Children's Hospital of Eastern Ontario
Classification: Uncertain significance for Familial thoracic aortic aneurysm and aortic dissection. Last evaluated: 2016-04-18. Review status: criteria provided, single submitter. Criteria: ACMG Guidelines, 2015. Collection method: clinical testing. Allele origin: germline. Study: Canadian Open Genetics Repository.

NM_000138.5(FBN1):c.8591T>A (p.Met2864Lys)

Gene: FBN1 (fibrillin 1; minus strand). Cytogenetic location: 15q21.1.
Variant type: single nucleotide variant.
Coding change: c.8591T>A on transcript NM_000138.5 (MANE Select); coding-DNA position 8591, T replaced by A.
Protein change: p.Met2864Lys; replaces methionine 2864 with lysine.
Molecular consequence: missense variant.
Genome position (GRCh38, 1-based): chr15:48,411,015, A>T on the plus strand (T>A on the coding strand, the complement: FBN1 is on the minus strand). VCF-style: chr15-48411015-A-T. GRCh37 (hg19) VCF-style: chr15-48703212-A-T.
Other names: short protein forms M2864K.
Identifiers: ClinVar variation 406279 (VCV000406279.13), dbSNP rs1060501028, ClinGen allele CA16614469.